The following is an entry in ClinVar:

ClinVar aggregate classification (germline): Likely benign. Review status: criteria provided, multiple submitters, no conflicts (2 of 4 stars). 4 submissions from 4 submitters: Likely benign (4). Last evaluated 2026-04-10.

Conditions:
Cardiovascular phenotype. Identifiers: MedGen CN230736.
Duchenne muscular dystrophy (DMD). Also called: Duchenne Muscular Dystrophy (DMD); MUSCULAR DYSTROPHY, PSEUDOHYPERTROPHIC PROGRESSIVE, DUCHENNE TYPE. Identifiers: Orphanet 98896, MedGen C0013264, MONDO:0010679, OMIM 310200.

Allele frequency attached by ClinVar (database versions not stated): gnomAD exomes 0.00001 and 0.00002; TOPMed 0.00001; ExAC 0.00002; gnomAD 0.00004.
gnomAD v4.1: 11 of 1,207,122 alleles (0.00091%); highest among the groups gnomAD compares: Non-Finnish European, 0.0011%; no homozygotes.

Submissions (4):

Ambry Genetics
Classification: Likely benign for Cardiovascular phenotype. Last evaluated: 2026-04-10. Review status: criteria provided, single submitter. Criteria: Ambry Variant Classification Scheme 2023. Collection method: clinical testing. Allele origin: germline.

Labcorp Genetics (formerly Invitae), Labcorp
Classification: Likely benign for Duchenne muscular dystrophy. Last evaluated: 2025-09-13. Review status: criteria provided, single submitter. Criteria: Invitae Variant Classification Sherloc (09022015). Collection method: clinical testing. Allele origin: germline.

Blueprint Genetics
Classification: Likely benign. Last evaluated: 2024-02-27. Review status: criteria provided, single submitter. Criteria: ACMG Guidelines, 2015. Collection method: clinical testing. Allele origin: germline.

CeGaT Center for Human Genetics Tuebingen
Classification: Likely benign. Last evaluated: 2023-01-01. Review status: criteria provided, single submitter. Criteria: CeGaT Center For Human Genetics Tuebingen Variant Classification Criteria Version 2. Collection method: clinical testing. Allele origin: germline. Affected: yes. Observed: 1 variant allele.
Comment: DMD: BP4, BS2

NM_004006.3(DMD):c.2630T>G (p.Val877Gly)

Gene: DMD (dystrophin; minus strand). Cytogenetic location: Xp21.1.
Variant type: single nucleotide variant.
Coding change: c.2630T>G on transcript NM_004006.3 (MANE Select); coding-DNA position 2630, T replaced by G.
Protein change: p.Val877Gly; replaces valine 877 with glycine.
Molecular consequence: missense variant.
Genome position (GRCh38, 1-based): chrX:32,485,092, A>C on the plus strand (T>G on the coding strand, the complement: DMD is on the minus strand). VCF-style: chrX-32485092-A-C. GRCh37 (hg19) VCF-style: chrX-32503209-A-C.
Other names: c.2606T>G, p.Val869Gly (NM_000109.4); c.2618T>G, p.Val873Gly (NM_004009.3); c.2261T>G, p.Val754Gly (NM_004010.3); c.2630T>G (NM_004006.2); short protein forms V754G, V869G, V873G, V877G.
Identifiers: ClinVar variation 1540617 (VCV001540617.34), dbSNP rs769516870, ClinGen allele CA10379463.